The following is an entry in ClinVar:

ClinVar aggregate classification (germline): Uncertain significance (1 of 4 stars; one submission).

Conditions:
Achromatopsia 3 (ACHM3). Also called: ACHROMATOPSIA WITH MYOPIA; PINGELAPESE BLINDNESS; TOTAL COLORBLINDNESS WITH MYOPIA; ROD MONOCHROMACY 1; ROD MONOCHROMATISM 1. Identifiers: Orphanet 49382, MedGen C1849792, MONDO:0009875, OMIM 262300.

gnomAD v4.1: 2 of 1,605,652 alleles (0.00012%); highest among the groups gnomAD compares: African/African-American, 0.0027%; no homozygotes.

Submission:

Myriad Genetics, Inc.
Classification: Uncertain significance for Achromatopsia 3. Last evaluated: 2025-10-27. Review status: criteria provided, single submitter. Criteria: Myriad Autosomal Dominant, Autosomal Recessive and X-Linked Classification Criteria (2023). Collection method: clinical testing. Allele origin: unknown.
Comment: NM_019098.4(CNGB3):c.1162G>A(D388N) is a missense variant classified as a variant of uncertain significance in the context of achromatopsia, CNGB3-related. D388N has not been observed in cases with relevant disease. Relevant functional assessments of this variant are not available in the literature. D388N has not been observed in referenced population frequency databases. In summary, there is insufficient evidence to classify NM_019098.4(CNGB3):c.1162G>A(D388N) as pathogenic or benign. Please note: this variant was assessed in the context of healthy population screening.

NM_019098.5(CNGB3):c.1162G>A (p.Asp388Asn)

Gene: CNGB3 (cyclic nucleotide gated channel subunit beta 3; minus strand). Cytogenetic location: 8q21.3.
Variant type: single nucleotide variant.
Coding change: c.1162G>A on transcript NM_019098.5 (MANE Select); coding-DNA position 1162, G replaced by A.
Protein change: p.Asp388Asn; replaces aspartic acid 388 with asparagine.
Molecular consequence: missense variant.
Genome position (GRCh38, 1-based): chr8:86,643,767, C>T on the plus strand (G>A on the coding strand, the complement: CNGB3 is on the minus strand). VCF-style: chr8-86643767-C-T. GRCh37 (hg19) VCF-style: chr8-87655995-C-T.
Other names: short protein forms D388N.
Identifiers: ClinVar variation 5004798 (VCV005004798.1), dbSNP rs267602031.
Genomic context (GRCh38, chr8:86,643,767, plus strand): 5'-GTTAAAAATAATCAATAAAGGTTTCTTTCAAAATCAGAACTTACTCGTTTCCTTCCCCAT[C>T]ATACACCCATCTAGTAGTGCCAATTCCTTCATAGTTTGAAGCCCAGTAATAAACACAGGC-3'
Protein context (NP_061971.3, residues 378-398): EGIGTTRWVY[Asp388Asn]GEGNEYLRCY